The following is an entry in ClinVar:

NM_001365536.1(SCN9A):c.5620A>G (p.Lys1874Glu)

Genes: SCN1A-AS1 (SCN1A and SCN9A antisense RNA 1; plus strand), SCN9A (sodium voltage-gated channel alpha subunit 9; minus strand). Cytogenetic location: 2q24.3.
Variant type: single nucleotide variant.
Coding change: c.5620A>G on transcript NM_001365536.1 (MANE Select); coding-DNA position 5620, A replaced by G.
Protein change: p.Lys1874Glu; replaces lysine 1874 with glutamic acid.
Molecular consequence: missense variant.
Genome position (GRCh38, 1-based): chr2:166,199,019, T>C on the plus strand (A>G on the coding strand, the complement: SCN9A is on the minus strand). VCF-style: chr2-166199019-T-C. GRCh37 (hg19) VCF-style: chr2-167055529-T-C.
Other names: c.5587A>G, p.Lys1863Glu (NM_002977.4); short protein forms K1863E, K1874E.
Identifiers: ClinVar variation 845307 (VCV000845307.10), dbSNP rs1553472893, ClinGen allele CA349051938.

ClinVar aggregate classification (germline): Uncertain significance (1 of 4 stars; one submission).

Conditions:
Neuropathy, hereditary sensory and autonomic, type 2A (HSAN2A). Also called: HSAN IIA; ACROOSTEOLYSIS, GIACCAI TYPE; ACROOSTEOLYSIS, NEUROGENIC; MORVAN DISEASE; NEUROPATHY, CONGENITAL SENSORY; NEUROPATHY, HEREDITARY SENSORY RADICULAR, AUTOSOMAL RECESSIVE. Identifiers: Orphanet 970, MedGen C2752089, MONDO:0024309, OMIM 201300.
Generalized epilepsy with febrile seizures plus, type 7 (GEFSP7). Also called: GEFS+, TYPE 7. Identifiers: Orphanet 36387, MedGen C2751778, MONDO:0013470, OMIM 613863.

Submission:

Labcorp Genetics (formerly Invitae), Labcorp
Classification: Uncertain significance for Neuropathy, hereditary sensory and autonomic, type 2A; Generalized epilepsy with febrile seizures plus, type 7. Last evaluated: 2019-02-20. Review status: criteria provided, single submitter. Criteria: Invitae Variant Classification Sherloc (09022015). Collection method: clinical testing. Allele origin: germline.
Comment: In summary, the available evidence is currently insufficient to determine the role of this variant in disease. Therefore, it has been classified as a Variant of Uncertain Significance. Algorithms developed to predict the effect of missense changes on protein structure and function are either unavailable or do not agree on the potential impact of this missense change (SIFT: "Tolerated"; PolyPhen-2: "Probably Damaging"; Align-GVGD: "Class C0"). This variant has not been reported in the literature in individuals with SCN9A-related conditions. This variant is not present in population databases (ExAC no frequency). This sequence change replaces lysine with glutamic acid at codon 1863 of the SCN9A protein (p.Lys1863Glu). The lysine residue is highly conserved and there is a small physicochemical difference between lysine and glutamic acid.